The following is an entry in ClinVar:

ClinVar aggregate classification (germline): Benign. Review status: criteria provided, multiple submitters, no conflicts (2 of 4 stars). 18 submissions from 17 submitters: Benign (14). 4 of the submissions do not count toward it. Last evaluated 2026-02-04.

Conditions:
Cardiovascular phenotype. Identifiers: MedGen CN230736.
Left ventricular noncompaction 10 (LVNC10). Identifiers: Orphanet 154, Orphanet 54260, MedGen C3715165, MONDO:0014163, OMIM 615396.
Cardiomyopathy (CMYO). Also called: Cardiomyopathies. Identifiers: Orphanet 167848, MedGen C0878544, MONDO:0004994, HP:0001638. Inheritance: Various modes of inheritance.
Hypertrophic cardiomyopathy 4. Also called: Familial hypertrophic cardiomyopathy 4. Identifiers: MedGen C1861862, MONDO:0007268, OMIM 115197.
Hypertrophic cardiomyopathy. Also called: HYPERTROPHIC MYOCARDIOPATHY. Identifiers: Orphanet 217569, MedGen C0007194, MeSH D002312, MONDO:0005045, HP:0001639.

Allele frequency attached by ClinVar (database versions not stated): 1000 Genomes Project 0.06110; 1000 Genomes Project 30x 0.06121; TOPMed 0.08295; gnomAD 0.08852 and 0.08958; gnomAD exomes 0.09002 and 0.11697; ESP Exome Variant Server 0.09332; ExAC 0.15423.
gnomAD v4.1: 178,813 of 1,571,980 alleles (11%); highest among the groups gnomAD compares: Non-Finnish European, 13%; 11,203 homozygotes.

Submissions (18):

Labcorp Genetics (formerly Invitae), Labcorp
Classification: Benign for Hypertrophic cardiomyopathy. Last evaluated: 2026-02-04. Review status: criteria provided, single submitter. Criteria: Invitae Variant Classification Sherloc (09022015). Collection method: clinical testing. Allele origin: germline.

Molecular Diagnostic Laboratory for Inherited Cardiovascular Disease, Montreal Heart Institute
Classification: Benign. Last evaluated: 2025-04-09. Review status: criteria provided, single submitter. Criteria: ACMG Guidelines, 2015. Collection method: clinical testing. Allele origin: germline. Affected: no.

Blueprint Genetics
Classification: Benign. Last evaluated: 2024-11-27. Review status: criteria provided, single submitter. Criteria: ACMG Guidelines, 2015. Collection method: clinical testing. Allele origin: germline.

Color Diagnostics, LLC DBA Color Health
Classification: Benign for Cardiomyopathy. Last evaluated: 2018-03-16. Review status: criteria provided, single submitter. Criteria: ACMG Guidelines, 2015. Collection method: clinical testing. Allele origin: germline.

Illumina Laboratory Services, Illumina
Classification: Benign for Left ventricular noncompaction 10. Last evaluated: 2018-01-12. Review status: criteria provided, single submitter. Criteria: ICSL Variant Classification Criteria 13 December 2019. Collection method: clinical testing. Allele origin: germline.
Comment: This variant was observed in the ICSL laboratory as part of a predisposition screen in an ostensibly healthy population. It had not been previously curated by ICSL or reported in the Human Gene Mutation Database (HGMD: prior to June 1st, 2018), and was therefore a candidate for classification through an automated scoring system. Utilizing variant allele frequency, disease prevalence and penetrance estimates, and inheritance mode, an automated score was calculated to assess if this variant is too frequent to cause the disease. Based on the score and internal cut-off values, a variant classified as benign is not then subjected to further curation. The score for this variant resulted in a classification of benign for this disease.

Illumina Laboratory Services, Illumina
Classification: Benign for Hypertrophic cardiomyopathy 4. Last evaluated: 2018-01-12. Review status: criteria provided, single submitter. Criteria: ICSL Variant Classification Criteria 13 December 2019. Collection method: clinical testing. Allele origin: germline.
Comment: the same text as in the submission from Illumina Laboratory Services, Illumina above.

Clinical Genetics DNA and cytogenetics Diagnostics Lab, Erasmus MC, Erasmus Medical Center
Classification: Benign for Hypertrophic cardiomyopathy 4. Last evaluated: 2015-09-21. Review status: criteria provided, single submitter. Criteria: ACGS Guidelines, 2013. Collection method: clinical testing. Allele origin: germline. Affected: yes. Study: VKGL Data-share Consensus.

Ambry Genetics
Classification: Benign for Cardiovascular phenotype. Last evaluated: 2015-03-11. Review status: criteria provided, single submitter. Criteria: Ambry Variant Classification Scheme 2023. Collection method: clinical testing. Allele origin: germline.

Genome Diagnostics Laboratory, University Medical Center Utrecht
Classification: Benign for Hypertrophic cardiomyopathy 4. Last evaluated: 2014-10-10. Review status: criteria provided, single submitter. Criteria: ACGS Guidelines, 2013. Collection method: clinical testing. Allele origin: germline. Affected: yes. Study: VKGL Data-share Consensus.

Mayo Clinic Laboratories, Mayo Clinic
Classification: Benign. Last evaluated: 2014-05-08. Review status: criteria provided, single submitter. Criteria: ACMG Guidelines, 2015. Collection method: clinical testing. Allele origin: germline. Observed: 329 variant alleles.

GeneDx
Classification: Benign. Last evaluated: 2011-07-08. Review status: criteria provided, single submitter. Criteria: GeneDx Variant Classification (06012015). Collection method: clinical testing. Allele origin: germline. Affected: yes.
Comment: This variant is considered likely benign or benign based on one or more of the following criteria: it is a conservative change, it occurs at a poorly conserved position in the protein, it is predicted to be benign by multiple in silico algorithms, and/or has population frequency not consistent with disease.

Laboratory for Molecular Medicine, Mass General Brigham Personalized Medicine
Classification: Benign. Last evaluated: 2008-01-18. Review status: criteria provided, single submitter. Criteria: LMM Criteria. Collection method: clinical testing. Allele origin: germline. Observed: 1,057 variant alleles.

Breakthrough Genomics
Classification: Benign. Review status: criteria provided, single submitter. Criteria: ACMG Guidelines, 2015. Collection method: not provided. Allele origin: germline. Inheritance: Autosomal dominant inheritance. Affected: yes.

PreventionGenetics, part of Exact Sciences
Classification: Benign. Review status: criteria provided, single submitter. Criteria: ACMG Guidelines, 2015. Collection method: clinical testing. Allele origin: germline.

Cohesion Phenomics
Classification: Benign for Hypertrophic cardiomyopathy. Last evaluated: 2022-10-10. Review status: no assertion criteria provided. Criteria: ACMG Guidelines, 2015. Collection method: clinical testing. Allele origin: germline. Affected: yes. Not counted in ClinVar's aggregate classification.

Clinical Genetics, Academic Medical Center
Classification: Benign. Review status: no assertion criteria provided. Collection method: clinical testing. Allele origin: germline. Affected: yes. Study: VKGL Data-share Consensus. Not counted in ClinVar's aggregate classification.

Diagnostic Laboratory, Department of Genetics, University Medical Center Groningen
Classification: Benign for Hypertrophic cardiomyopathy 4. Review status: no assertion criteria provided. Collection method: clinical testing. Allele origin: germline. Affected: yes. Study: VKGL Data-share Consensus. Not counted in ClinVar's aggregate classification.

Joint Genome Diagnostic Labs from Nijmegen and Maastricht, Radboudumc and MUMC+
Classification: Benign. Review status: no assertion criteria provided. Collection method: clinical testing. Allele origin: germline. Affected: yes. Study: VKGL Data-share Consensus. Not counted in ClinVar's aggregate classification.

NM_000256.3(MYBPC3):c.786C>T (p.Thr262=)

Gene: MYBPC3 (myosin binding protein C3; minus strand). Cytogenetic location: 11p11.2.
Variant type: single nucleotide variant.
Coding change: c.786C>T on transcript NM_000256.3 (MANE Select); coding-DNA position 786, C replaced by T.
Protein change: p.Thr262=; no amino-acid change (threonine 262 retained).
Molecular consequence: synonymous variant.
Genome position (GRCh38, 1-based): chr11:47,347,892, G>A on the plus strand (C>T on the coding strand, the complement: MYBPC3 is on the minus strand). VCF-style: chr11-47347892-G-A. GRCh37 (hg19) VCF-style: chr11-47369443-G-A.
Other names: p.T262T:ACC>ACT; p.Thr262=.
Identifiers: ClinVar variation 42793 (VCV000042793.36), dbSNP rs11570058, ClinGen allele CA015851.